The following is an entry in ClinVar:

NM_001130438.3(SPTAN1):c.1174G>A (p.Asp392Asn)

Gene: SPTAN1 (spectrin alpha, non-erythrocytic 1; plus strand). Cytogenetic location: 9q34.11.
Variant type: single nucleotide variant.
Coding change: c.1174G>A on transcript NM_001130438.3 (MANE Select); coding-DNA position 1174, G replaced by A.
Protein change: p.Asp392Asn; replaces aspartic acid 392 with asparagine.
Molecular consequence: missense variant.
Genome position (GRCh38, 1-based): chr9:128,578,198, G>A. VCF-style: chr9-128578198-G-A. GRCh37 (hg19) VCF-style: chr9-131340477-G-A.
Other names: c.1174G>A, p.Asp392Asn (NM_001195532.2, NM_001363759.2, NM_001363765.2 and 5 more transcripts); c.1210G>A, p.Asp404Asn (NM_001375312.2, NM_001375318.1); short protein forms D392N, D404N.
Identifiers: ClinVar variation 3602924 (VCV003602924.1).

ClinVar aggregate classification (germline): Uncertain significance (1 of 4 stars; one submission).

Submission:

GeneDx
Classification: Uncertain significance. Last evaluated: 2024-08-06. Review status: criteria provided, single submitter. Criteria: GeneDx Variant Classification Process June 2021. Collection method: clinical testing. Allele origin: germline. Affected: yes.
Comment: Not observed at significant frequency in large population cohorts (gnomAD); In silico analysis supports that this missense variant has a deleterious effect on protein structure/function; Has not been previously published as pathogenic or benign to our knowledge